The following is an entry in ClinVar:

NM_005591.4(MRE11):c.1907C>T (p.Thr636Ile)

Gene: MRE11 (MRE11 double strand break repair nuclease; minus strand). Cytogenetic location: 11q21.
Variant type: single nucleotide variant.
Coding change: c.1907C>T on transcript NM_005591.4 (MANE Select); coding-DNA position 1907, C replaced by T.
Protein change: p.Thr636Ile; replaces threonine 636 with isoleucine.
Molecular consequence: missense variant.
Genome position (GRCh38, 1-based): chr11:94,437,196, G>A on the plus strand (C>T on the coding strand, the complement: MRE11 is on the minus strand). VCF-style: chr11-94437196-G-A. GRCh37 (hg19) VCF-style: chr11-94170362-G-A.
Other names: c.1904C>T, p.Thr635Ile (NM_001330347.2); c.1823C>T, p.Thr608Ile (NM_005590.4); short protein forms T636I, T608I, T635I.
Identifiers: ClinVar variation 485810 (VCV000485810.6), dbSNP rs1555002403, ClinGen allele CA382374688.

ClinVar aggregate classification (germline): Uncertain significance (1 of 4 stars; one submission).

Conditions:
Hereditary cancer-predisposing syndrome. Also called: Tumor predisposition; Hereditary Cancer Syndrome; Hereditary neoplastic syndrome; Neoplastic Syndromes, Hereditary. Identifiers: Orphanet 140162, MedGen C0027672, MeSH D009386, MONDO:0015356.

gnomAD v4.1: 2 of 1,612,788 alleles (0.00012%); highest among the groups gnomAD compares: Non-Finnish European, 0.00017%; no homozygotes.

Submission:

Ambry Genetics
Classification: Uncertain significance for Hereditary cancer-predisposing syndrome. Last evaluated: 2023-05-27. Review status: criteria provided, single submitter. Criteria: Ambry Variant Classification Scheme 2023. Collection method: clinical testing. Allele origin: germline.
Comment: The p.T636I variant (also known as c.1907C>T), located in coding exon 16 of the MRE11A gene, results from a C to T substitution at nucleotide position 1907. The threonine at codon 636 is replaced by isoleucine, an amino acid with similar properties. This amino acid position is poorly conserved in available vertebrate species. In addition, this alteration is predicted to be tolerated by in silico analysis. Since supporting evidence is limited at this time, the clinical significance of this alteration remains unclear.